The following is an entry in ClinVar:

ClinVar aggregate classification (germline): Uncertain significance. Review status: criteria provided, multiple submitters, no conflicts (2 of 4 stars). 2 submissions from 2 submitters: Uncertain significance (2). Last evaluated 2025-01-20.

Conditions:
Inborn genetic diseases. Identifiers: MedGen C0950123, MeSH D030342.
Periodontitis, aggressive. Identifiers: MedGen C0031106, MONDO:0980757.
Haim-Munk syndrome (HMS). Also called: COCHIN JEWISH DISORDER; KERATOSIS PALMOPLANTARIS WITH PERIODONTOPATHIA AND ONYCHOGRYPOSIS. Identifiers: Orphanet 2342, MedGen C1855627, MONDO:0009491, OMIM 245010.
Papillon-Lefèvre syndrome (PALS). Also called: KERATOSIS PALMOPLANTARIS WITH PERIODONTOPATHIA; Papillon-Lefevre Disease. Identifiers: Orphanet 678, MedGen C0030360, MONDO:0009490, OMIM 245000.

gnomAD v4.1: 19 of 1,580,674 alleles (0.0012%); highest among the groups gnomAD compares: Admixed American, 0.009%; no homozygotes.

Submissions (2):

Labcorp Genetics (formerly Invitae), Labcorp
Classification: Uncertain significance for Haim-Munk syndrome; Periodontitis, aggressive; Papillon-Lefèvre syndrome. Last evaluated: 2025-01-20. Review status: criteria provided, single submitter. Criteria: Invitae Variant Classification Sherloc (09022015). Collection method: clinical testing. Allele origin: germline.
Comment: This sequence change replaces valine, which is neutral and non-polar, with leucine, which is neutral and non-polar, at codon 22 of the CTSC protein (p.Val22Leu). The frequency data for this variant in the population databases is considered unreliable, as metrics indicate poor data quality at this position in the gnomAD database. This variant has not been reported in the literature in individuals affected with CTSC-related conditions. An algorithm developed to predict the effect of missense changes on protein structure and function (PolyPhen-2) suggests that this variant¬¨‚Ä†is likely to be tolerated. In summary, the available evidence is currently insufficient to determine the role of this variant in disease. Therefore, it has been classified as a Variant of Uncertain Significance.

Ambry Genetics
Classification: Uncertain significance for Inborn genetic diseases. Last evaluated: 2024-05-20. Review status: criteria provided, single submitter. Criteria: Ambry Variant Classification Scheme 2023. Collection method: clinical testing. Allele origin: germline.

NM_001814.6(CTSC):c.64G>T (p.Val22Leu)

Genes: CTSC (cathepsin C; minus strand), LOC130006572 (ATAC-STARR-seq lymphoblastoid active region 5382; plus strand). Cytogenetic location: 11q14.2.
Variant type: single nucleotide variant.
Coding change: c.64G>T on transcript NM_001814.6 (MANE Select); coding-DNA position 64, G replaced by T.
Protein change: p.Val22Leu; replaces valine 22 with leucine.
Molecular consequence: missense variant.
Genome position (GRCh38, 1-based): chr11:88,337,609, C>A on the plus strand (G>T on the coding strand, the complement: CTSC is on the minus strand). VCF-style: chr11-88337609-C-A. GRCh37 (hg19) VCF-style: chr11-88070777-C-A.
Other names: c.64G>T, p.Val22Leu (NM_001114173.3, NM_148170.5); short protein forms V22L.
Identifiers: ClinVar variation 3270205 (VCV003270205.2).